The following is an entry in ClinVar:

ClinVar aggregate classification (germline): Pathogenic (1 of 4 stars; one submission).

Conditions:
Inborn genetic diseases. Identifiers: MedGen C0950123, MeSH D030342.

Submission:

Ambry Genetics
Classification: Pathogenic for Inborn genetic diseases. Last evaluated: 2022-11-09. Review status: criteria provided, single submitter. Criteria: Ambry Variant Classification Scheme 2023. Collection method: clinical testing. Allele origin: germline.
Comment: The c.2070delC (p.E691Rfs*123) alteration, located in exon 15 (coding exon 15) of the NTRK1 gene, consists of a deletion of one nucleotide at position 2070, causing a translational frameshift with a predicted alternate stop codon after 123 amino acids. This alteration occurs at the 3' terminus of the NTRK1 gene, is not expected to trigger nonsense-mediated mRNA decay, and only impacts the last 12.7% of the protein. However, premature stop codons are typically deleterious in nature and the impacted region is critical for protein function (Ambry internal data). This variant was not reported in population-based cohorts in the Genome Aggregation Database (gnomAD). Based on internal structural analysis, p.E691Rfs*123 results in loss of several phosphorylation sites critical to proper function (Obermeier, 1993; Huang, 2003; de Pablo, 2008; Wang, 2022). Based on the available evidence, this alteration is classified as pathogenic.

Literature cited by the submitters: PubMed 8384556; PubMed 12676795; PubMed 18173729; PubMed 35426680.

NM_002529.4(NTRK1):c.2088del (p.Glu697fs)

Gene: NTRK1 (neurotrophic receptor tyrosine kinase 1; plus strand). Cytogenetic location: 1q23.1.
Variant type: Deletion.
Coding change: c.2088del on transcript NM_002529.4 (MANE Select); coding-DNA position 2088, one base deleted (C; older notation c.2088delC).
Protein change: p.Glu697fs; shifts the reading frame from glutamic acid 697.
Molecular consequence: frameshift variant.
Genome position (GRCh38, 1-based): chr1:156,880,040, C deleted; the last of 3 consecutive C bases (chr1:156,880,038-156,880,040); deleting any one gives the same sequence. VCF-style (leftmost placement, unchanged base first): chr1-156880037-GC-G. GRCh37 (hg19) VCF-style: chr1-156849829-GC-G.
Other names: c.2088delC, p.Glu697Argfs (NM_001007204.1); c.1980del, p.Glu661fs (NM_001007792.1); c.2070del, p.Glu691fs (NM_001012331.2); short protein forms E691fs, E697fs, E661fs.
Identifiers: ClinVar variation 2320175 (VCV002320175.2), dbSNP rs2525660178, ClinGen allele CA2580061243.